The following is an entry in ClinVar:

ClinVar aggregate classification (germline): Uncertain significance (1 of 4 stars; one submission).

Conditions:
Hereditary cancer-predisposing syndrome. Also called: Neoplastic Syndromes, Hereditary; Tumor predisposition; Hereditary neoplastic syndrome; Hereditary Cancer Syndrome. Identifiers: Orphanet 140162, MedGen C0027672, MeSH D009386, MONDO:0015356.

Submission:

Ambry Genetics
Classification: Uncertain significance for Hereditary cancer-predisposing syndrome. Last evaluated: 2015-03-30. Review status: criteria provided, single submitter. Criteria: Ambry Variant Classification Scheme 2023. Collection method: clinical testing. Allele origin: germline.
Comment: The c.2922-19T>G intronic alteration consists of a T to G substitution 19 nucleotides before coding exon 19 in the ATM gene. Based on insufficient or conflicting evidence, the clinical significance of this alteration remains unclear.

NM_000051.4(ATM):c.2922-19T>G

Gene: ATM (ATM serine/threonine kinase; plus strand). Cytogenetic location: 11q22.3.
Variant type: single nucleotide variant.
Coding change: c.2922-19T>G on transcript NM_000051.4 (MANE Select); 19 bases into the intron before coding-DNA position 2922, T replaced by G.
Molecular consequence: intron variant.
Genome position (GRCh38, 1-based): chr11:108,271,232, T>G. VCF-style: chr11-108271232-T-G. GRCh37 (hg19) VCF-style: chr11-108141959-T-G.
Other names: c.2922-19T>G (NM_001351834.2).
Identifiers: ClinVar variation 3076152 (VCV003076152.1), dbSNP rs2135550912, ClinGen allele CA2741208029.